The following is an entry in ClinVar:

ClinVar aggregate classification (germline): Uncertain significance. Review status: criteria provided, single submitter (1 of 4 stars). 2 submissions from 2 submitters: Uncertain significance (1). 1 of the submissions does not count toward it. Last evaluated 2023-04-11.

Conditions:
Familial thoracic aortic aneurysm and aortic dissection (TAAD). Also called: Thoracic aortic aneurysms and dissections. Identifiers: Orphanet 91387, MedGen C4707243, MONDO:0019625.
Ehlers-Danlos syndrome, type 4 (EDSVASC). Also called: Ehlers-Danlos syndrome vascular type; Ehlers Danlos syndrome, ecchymotic type; Ehlers Danlos syndrome, arterial type; Ehlers Danlos syndrome, Sack-Barabas type; Ehlers-Danlos Syndrome Type IV. Identifiers: Orphanet 286, MedGen C0268338, MONDO:0017314, OMIM 130050.

Submissions (2):

Ambry Genetics
Classification: Uncertain significance for Familial thoracic aortic aneurysm and aortic dissection. Last evaluated: 2023-04-11. Review status: criteria provided, single submitter. Criteria: Ambry Variant Classification Scheme 2023. Collection method: clinical testing. Allele origin: germline.
Comment: The c.1870-2A>G intronic variant results from an A to G substitution two nucleotides upstream from coding exon 27 in the COL3A1 gene. This variant has been detected in a vascular Ehlers-Danlos syndrome cohort; however, details were limited (Pepin MG et al. Genet Med, 2014 Dec;16:881-8). Alterations that disrupt the canonical splice site are expected to result in aberrant splicing. In silico splice site analysis predicts that this alteration will weaken the native splice acceptor site. The resulting transcript is predicted to be in-frame and is not expected to trigger nonsense-mediated mRNA decay; however, direct evidence is unavailable. The exact functional effect of the altered amino acid sequence is unknown. This nucleotide position is highly conserved in available vertebrate species. Since supporting evidence is limited at this time, the clinical significance of this alteration remains unclear.

Collagen Diagnostic Laboratory, University of Washington
Classification: Pathogenic for Ehlers-Danlos syndrome, type 4. Review status: no assertion criteria provided. Collection method: clinical testing. Allele origin: germline. Affected: yes. Not counted in ClinVar's aggregate classification.

Literature cited by the submitters: PubMed 24922459 (cited by Ambry Genetics).

NM_000090.4(COL3A1):c.1870-2A>G

Gene: COL3A1 (collagen type III alpha 1 chain; plus strand). Cytogenetic location: 2q32.2.
Variant type: single nucleotide variant.
Coding change: c.1870-2A>G on transcript NM_000090.4 (MANE Select); the canonical splice acceptor site of the intron before coding-DNA position 1870, A replaced by G.
Molecular consequence: splice acceptor variant.
Genome position (GRCh38, 1-based): chr2:188,997,698, A>G. VCF-style: chr2-188997698-A-G. GRCh37 (hg19) VCF-style: chr2-189862424-A-G.
Identifiers: ClinVar variation 101424 (VCV000101424.4), dbSNP rs587779575, ClinGen allele CA004677.